The following is an entry in ClinVar:

ClinVar aggregate classification (germline): Uncertain significance (1 of 4 stars; one submission).

Allele frequency attached by ClinVar (database versions not stated): gnomAD 0.00001; gnomAD exomes below 0.00001; TOPMed below 0.00001.
gnomAD v4.1: 2 of 1,613,132 alleles (0.00012%); highest among the groups gnomAD compares: Admixed American, 0.0033%; no homozygotes.

Submission:

Labcorp Genetics (formerly Invitae), Labcorp
Classification: Uncertain significance. Last evaluated: 2025-11-25. Review status: criteria provided, single submitter. Criteria: Invitae Variant Classification Sherloc (09022015). Collection method: clinical testing. Allele origin: germline.
Comment: This sequence change replaces glutamic acid, which is acidic and polar, with aspartic acid, which is acidic and polar, at codon 3107 of the HMCN1 protein (p.Glu3107Asp). This variant is present in population databases (no rsID available, gnomAD 0.003%). This variant has not been reported in the literature in individuals affected with HMCN1-related conditions. ClinVar contains an entry for this variant (Variation ID: 2066762). An algorithm developed to predict the effect of missense changes on protein structure and function (PolyPhen-2) suggests that this variant is likely to be tolerated. In summary, the available evidence is currently insufficient to determine the role of this variant in disease. Therefore, it has been classified as a Variant of Uncertain Significance.

NM_031935.3(HMCN1):c.9321G>T (p.Glu3107Asp)

Gene: HMCN1 (hemicentin 1; plus strand). Cytogenetic location: 1q31.1.
Variant type: single nucleotide variant.
Coding change: c.9321G>T on transcript NM_031935.3 (MANE Select); coding-DNA position 9321, G replaced by T.
Protein change: p.Glu3107Asp; replaces glutamic acid 3107 with aspartic acid.
Molecular consequence: missense variant.
Genome position (GRCh38, 1-based): chr1:186,087,603, G>T. VCF-style: chr1-186087603-G-T. GRCh37 (hg19) VCF-style: chr1-186056735-G-T.
Other names: short protein forms E3107D.
Identifiers: ClinVar variation 2066762 (VCV002066762.4), dbSNP rs1397388928, ClinGen allele CA343920236.